The following is an entry in ClinVar:

NM_000178.4(GSS):c.707G>A (p.Arg236Gln)

Gene: GSS (glutathione synthetase; minus strand). Cytogenetic location: 20q11.22.
Variant type: single nucleotide variant.
Coding change: c.707G>A on transcript NM_000178.4 (MANE Select); coding-DNA position 707, G replaced by A.
Protein change: p.Arg236Gln; replaces arginine 236 with glutamine.
Molecular consequence: missense variant.
Genome position (GRCh38, 1-based): chr20:34,936,823, C>T on the plus strand (G>A on the coding strand, the complement: GSS is on the minus strand). VCF-style: chr20-34936823-C-T. GRCh37 (hg19) VCF-style: chr20-33524626-C-T.
Other names: c.707G>A, p.Arg236Gln (NM_001322494.1, NM_001322495.1); short protein forms R236Q.
Identifiers: ClinVar variation 798240 (VCV000798240.22), dbSNP rs34239729, ClinGen allele CA9825988.

ClinVar aggregate classification (germline): Conflicting classifications of pathogenicity. Review status: criteria provided, conflicting classifications (1 of 4 stars). 6 submissions from 6 submitters: Uncertain significance (4); Likely benign (2). Last evaluated 2026-01-24.

Conditions:
Glutathione synthetase deficiency with 5-oxoprolinuria. Also called: 5-Oxoprolinuria; 5-OXOPROLINURIA DUE TO GLUTATHIONE SYNTHETASE DEFICIENCY; PYROGLUTAMIC ACIDURIA; Gluthathione synthetase deficiency; Reduced glutathione synthetase level. Identifiers: Orphanet 289846, MedGen C0398746, MONDO:0009947, OMIM 266130, HP:0003343.

Allele frequency attached by ClinVar (database versions not stated): gnomAD exomes 0.00014 and 0.00035; gnomAD 0.00021; ExAC 0.00026; 1000 Genomes Project 30x 0.00031; TOPMed 0.00039; 1000 Genomes Project 0.00040.

Submissions (6):

Labcorp Genetics (formerly Invitae), Labcorp
Classification: Likely benign for Glutathione synthetase deficiency with 5-oxoprolinuria. Last evaluated: 2026-01-24. Review status: criteria provided, single submitter. Criteria: Invitae Variant Classification Sherloc (09022015). Collection method: clinical testing. Allele origin: germline.

Blueprint Genetics
Classification: Uncertain significance. Last evaluated: 2024-11-18. Review status: criteria provided, single submitter. Criteria: ACMG Guidelines, 2015. Collection method: clinical testing. Allele origin: germline.

ARUP Laboratories, Molecular Genetics and Genomics, ARUP Laboratories
Classification: Uncertain significance. Last evaluated: 2024-06-24. Review status: criteria provided, single submitter. Criteria: ARUP Molecular Germline Variant Investigation Process 2024. Collection method: clinical testing. Allele origin: germline.

Revvity Omics, Revvity
Classification: Likely benign. Last evaluated: 2024-06-07. Review status: criteria provided, single submitter. Criteria: ACMG Guidelines, 2015. Collection method: clinical testing. Allele origin: germline.

GeneDx
Classification: Uncertain significance. Last evaluated: 2022-11-29. Review status: criteria provided, single submitter. Criteria: GeneDx Variant Classification Process June 2021. Collection method: clinical testing. Allele origin: germline. Affected: yes.
Comment: Reported in a patient with multiple congenital anomalies who also harbored potentially disease causing variants in other genes (Maron et al., 2021); In silico analysis supports that this missense variant has a deleterious effect on protein structure/function; This variant is associated with the following publications: (PMID: 28719003, 23675308, 33587123, 28569218, 27984508, 26659599, 24627221, 29273096, 27467583)

Mayo Clinic Laboratories, Mayo Clinic
Classification: Uncertain significance. Last evaluated: 2022-07-08. Review status: criteria provided, single submitter. Criteria: ACMG Guidelines, 2015. Collection method: clinical testing. Allele origin: germline. Observed: 5 variant alleles.
Comment: PP3

Literature cited by the submitters: PubMed 33587123 (cited by Mayo Clinic Laboratories, Mayo Clinic).